The following is an entry in ClinVar:

ClinVar aggregate classification (germline): Uncertain significance (1 of 4 stars; one submission).

Conditions:
Primary ciliary dyskinesia. Also called: Ciliary dyskinesia. Identifiers: Orphanet 244, MedGen C0008780, MONDO:0016575, HP:0012265.

Allele frequency attached by ClinVar (database versions not stated): gnomAD exomes below 0.00001; TOPMed below 0.00001; ExAC 0.00001; gnomAD 0.00001.
gnomAD v4.1: 4 of 1,613,146 alleles (0.00025%); highest among the groups gnomAD compares: South Asian, 0.0022%; no homozygotes.

Submission:

Labcorp Genetics (formerly Invitae), Labcorp
Classification: Uncertain significance for Primary ciliary dyskinesia. Last evaluated: 2022-06-22. Review status: criteria provided, single submitter. Criteria: Invitae Variant Classification Sherloc (09022015). Collection method: clinical testing. Allele origin: germline.
Comment: This sequence change replaces glycine, which is neutral and non-polar, with arginine, which is basic and polar, at codon 416 of the DNAH5 protein (p.Gly416Arg). This variant is present in population databases (rs773648190, gnomAD 0.003%). This variant has not been reported in the literature in individuals affected with DNAH5-related conditions. Advanced modeling of protein sequence and biophysical properties (such as structural, functional, and spatial information, amino acid conservation, physicochemical variation, residue mobility, and thermodynamic stability) performed at Invitae indicates that this missense variant is not expected to disrupt DNAH5 protein function. Algorithms developed to predict the effect of sequence changes on RNA splicing suggest that this variant may create or strengthen a splice site. In summary, the available evidence is currently insufficient to determine the role of this variant in disease. Therefore, it has been classified as a Variant of Uncertain Significance.

NM_001369.3(DNAH5):c.1246G>A (p.Gly416Arg)

Gene: DNAH5 (dynein axonemal heavy chain 5; minus strand). Cytogenetic location: 5p15.2.
Variant type: single nucleotide variant.
Coding change: c.1246G>A on transcript NM_001369.3 (MANE Select); coding-DNA position 1246, G replaced by A.
Protein change: p.Gly416Arg; replaces glycine 416 with arginine.
Molecular consequence: missense variant.
Genome position (GRCh38, 1-based): chr5:13,914,594, C>T on the plus strand (G>A on the coding strand, the complement: DNAH5 is on the minus strand). VCF-style: chr5-13914594-C-T. GRCh37 (hg19) VCF-style: chr5-13914703-C-T.
Other names: short protein forms G416R.
Identifiers: ClinVar variation 2058422 (VCV002058422.1), dbSNP rs773648190, ClinGen allele CA3204904.